The following is an entry in ClinVar:

NM_001382391.1(CSPP1):c.3622C>T (p.Gln1208Ter)

Genes: ARFGEF1 (ARF guanine nucleotide exchange factor 1; minus strand), CSPP1 (centrosome and spindle pole associated protein 1; plus strand). Cytogenetic location: 8q13.2.
Variant type: single nucleotide variant.
Coding change: c.3622C>T on transcript NM_001382391.1 (MANE Select); coding-DNA position 3622, C replaced by T.
Protein change: p.Gln1208Ter; replaces glutamine 1208 with a stop codon.
Molecular consequence: nonsense. On other transcripts: 3 prime UTR variant (1), intron variant (2).
Genome position (GRCh38, 1-based): chr8:67,195,534, C>T. VCF-style: chr8-67195534-C-T. GRCh37 (hg19) VCF-style: chr8-68107769-C-T.
Other names: c.2572C>T, p.Gln858Ter (NM_001291339.2); c.3541C>T, p.Gln1181Ter (NM_001363131.2); c.3427C>T, p.Gln1143Ter (NM_001363132.2); c.3346C>T, p.Gln1116Ter (NM_001363133.2); c.3688C>T, p.Gln1230Ter (NM_001364869.1); c.3508C>T, p.Gln1170Ter (NM_001364870.1); c.3454C>T, p.Gln1152Ter (NM_001438330.1); c.*114C>T (NM_001438331.1); and 4 more; short protein forms Q1170*, Q1181*, Q1208*, Q858*, Q1116*, Q1143*, Q1203*, Q1230*.
Identifiers: ClinVar variation 2005785 (VCV002005785.4), dbSNP rs2491093320, ClinGen allele CA371204531.

ClinVar aggregate classification (germline): Uncertain significance (1 of 4 stars; one submission).

Conditions:
Joubert syndrome 21 (JBTS21). Identifiers: MedGen C3810212, MONDO:0014288, OMIM 615636.

Submission:

Labcorp Genetics (formerly Invitae), Labcorp
Classification: Uncertain significance for Joubert syndrome 21. Last evaluated: 2023-04-24. Review status: criteria provided, single submitter. Criteria: Invitae Variant Classification Sherloc (09022015). Collection method: clinical testing. Allele origin: germline.
Comment: This variant has not been reported in the literature in individuals affected with CSPP1-related conditions. In summary, the available evidence is currently insufficient to determine the role of this variant in disease. Therefore, it has been classified as a Variant of Uncertain Significance. Experimental studies and prediction algorithms are not available or were not evaluated, and the functional significance of this variant is currently unknown. ClinVar contains an entry for this variant (Variation ID: 2005785). This variant is not present in population databases (gnomAD no frequency). This sequence change creates a premature translational stop signal (p.Gln1203*) in the CSPP1 gene. While this is not anticipated to result in nonsense mediated decay, it is expected to disrupt the last 19 amino acid(s) of the CSPP1 protein.